The following is an entry in ClinVar:

ClinVar aggregate classification (germline): Uncertain significance. Review status: criteria provided, multiple submitters, no conflicts (2 of 4 stars). 2 submissions from 2 submitters: Uncertain significance (2). Last evaluated 2026-03-01.

Conditions:
Inborn genetic diseases. Identifiers: MedGen C0950123, MeSH D030342.

Submissions (2):

Ambry Genetics
Classification: Uncertain significance for Inborn genetic diseases. Last evaluated: 2026-03-01. Review status: criteria provided, single submitter. Criteria: Ambry Variant Classification Scheme 2023. Collection method: clinical testing. Allele origin: germline.

Labcorp Genetics (formerly Invitae), Labcorp
Classification: Uncertain significance. Last evaluated: 2024-05-02. Review status: criteria provided, single submitter. Criteria: Invitae Variant Classification Sherloc (09022015). Collection method: clinical testing. Allele origin: germline.
Comment: This sequence change replaces glycine, which is neutral and non-polar, with aspartic acid, which is acidic and polar, at codon 1703 of the BRWD3 protein (p.Gly1703Asp). This variant is not present in population databases (gnomAD no frequency). This variant has not been reported in the literature in individuals affected with BRWD3-related conditions. Advanced modeling of protein sequence and biophysical properties (such as structural, functional, and spatial information, amino acid conservation, physicochemical variation, residue mobility, and thermodynamic stability) performed at Invitae indicates that this missense variant is not expected to disrupt BRWD3 protein function with a negative predictive value of 80%. In summary, the available evidence is currently insufficient to determine the role of this variant in disease. Therefore, it has been classified as a Variant of Uncertain Significance.

NM_153252.5(BRWD3):c.5108G>A (p.Gly1703Asp)

Gene: BRWD3 (bromodomain and WD repeat domain containing 3; minus strand). Cytogenetic location: Xq21.1.
Variant type: single nucleotide variant.
Coding change: c.5108G>A on transcript NM_153252.5 (MANE Select); coding-DNA position 5108, G replaced by A.
Protein change: p.Gly1703Asp; replaces glycine 1703 with aspartic acid.
Molecular consequence: missense variant.
Genome position (GRCh38, 1-based): chrX:80,676,910, C>T on the plus strand (G>A on the coding strand, the complement: BRWD3 is on the minus strand). VCF-style: chrX-80676910-C-T. GRCh37 (hg19) VCF-style: chrX-79932409-C-T.
Other names: c.5108G>A (NM_153252.4); short protein forms G1703D.
Identifiers: ClinVar variation 3651953 (VCV003651953.3).